The following is an entry in ClinVar:

NM_031220.4(PITPNM3):c.2307-5A>G

Gene: PITPNM3 (PITPNM family member 3; minus strand). Cytogenetic location: 17p13.2.
Variant type: single nucleotide variant.
Coding change: c.2307-5A>G on transcript NM_031220.4 (MANE Select); 5 bases into the intron before coding-DNA position 2307, A replaced by G.
Molecular consequence: intron variant.
Genome position (GRCh38, 1-based): chr17:6,461,561, T>C on the plus strand (A>G on the coding strand, the complement: PITPNM3 is on the minus strand). VCF-style: chr17-6461561-T-C. GRCh37 (hg19) VCF-style: chr17-6364881-T-C.
Other names: c.2199-5A>G (NM_001165966.2).
Identifiers: ClinVar variation 261944 (VCV000261944.16), dbSNP rs73346359, ClinGen allele CA8329198.

ClinVar aggregate classification (germline): Benign. Review status: criteria provided, multiple submitters, no conflicts (2 of 4 stars). 5 submissions from 5 submitters: Benign (5). Last evaluated 2026-02-04.

Conditions:
Cone-rod dystrophy 5 (CORD5). Identifiers: Orphanet 1872, MedGen C1832976, MONDO:0010969, OMIM 600977.

Allele frequency attached by ClinVar (database versions not stated): ExAC 0.06189; gnomAD 0.08488 and 0.08398; TOPMed 0.08399; 1000 Genomes Project 30x 0.10259; gnomAD exomes 0.05943 and 0.05497; 1000 Genomes Project 0.10323; ESP Exome Variant Server 0.08058.

Submissions (5):

Labcorp Genetics (formerly Invitae), Labcorp
Classification: Benign. Last evaluated: 2026-02-04. Review status: criteria provided, single submitter. Criteria: Invitae Variant Classification Sherloc (09022015). Collection method: clinical testing. Allele origin: germline.

GeneDx
Classification: Benign. Last evaluated: 2018-08-30. Review status: criteria provided, single submitter. Criteria: GeneDx Variant Classification Process June 2021. Collection method: clinical testing. Allele origin: germline. Affected: yes.

Illumina Laboratory Services, Illumina
Classification: Benign for Cone-rod dystrophy 5. Last evaluated: 2018-01-13. Review status: criteria provided, single submitter. Criteria: ICSL Variant Classification Criteria 13 December 2019. Collection method: clinical testing. Allele origin: germline.
Comment: This variant was observed in the ICSL laboratory as part of a predisposition screen in an ostensibly healthy population. It had not been previously curated by ICSL or reported in the Human Gene Mutation Database (HGMD: prior to June 1st, 2018), and was therefore a candidate for classification through an automated scoring system. Utilizing variant allele frequency, disease prevalence and penetrance estimates, and inheritance mode, an automated score was calculated to assess if this variant is too frequent to cause the disease. Based on the score and internal cut-off values, a variant classified as benign is not then subjected to further curation. The score for this variant resulted in a classification of benign for this disease.

Breakthrough Genomics
Classification: Benign. Review status: criteria provided, single submitter. Criteria: ACMG Guidelines, 2015. Collection method: not provided. Allele origin: germline. Inheritance: Autosomal dominant inheritance. Affected: yes.

PreventionGenetics, part of Exact Sciences
Classification: Benign. Review status: criteria provided, single submitter. Criteria: ACMG Guidelines, 2015. Collection method: clinical testing. Allele origin: germline.